The following is an entry in ClinVar:

NM_001167.4(XIAP):c.*4188T>C

Gene: XIAP (X-linked inhibitor of apoptosis; plus strand). Cytogenetic location: Xq25.
Variant type: single nucleotide variant.
Coding change: c.*4188T>C on transcript NM_001167.4 (MANE Select); 4188 bases downstream of the stop codon, T replaced by C.
Molecular consequence: 3 prime UTR variant. On other transcripts: non-coding transcript variant (2).
Genome position (GRCh38, 1-based): chrX:123,911,369, T>C. VCF-style: chrX-123911369-T-C. GRCh37 (hg19) VCF-style: chrX-123045219-T-C.
Other names: c.*4188T>C (NM_001204401.2, NM_001378590.1, NM_001378591.1 and 1 more transcripts).
Identifiers: ClinVar variation 367833 (VCV000367833.6), dbSNP rs28382752, ClinGen allele CA10508351.

ClinVar aggregate classification (germline): Benign. Review status: criteria provided, multiple submitters, no conflicts (2 of 4 stars). 2 submissions from 2 submitters: Benign (2). Last evaluated 2017-04-27.

Conditions:
X-linked lymphoproliferative disease due to XIAP deficiency. Also called: XIAP DEFICIENCY; XIAP-Related Lymphoproliferative Disease, X-Linked. Identifiers: Orphanet 2442, Orphanet 538934, MedGen C1845076, MONDO:0010385, OMIM 300635.

Allele frequency attached by ClinVar (database versions not stated): gnomAD 0.18781 and 0.19465; TOPMed 0.19282; gnomAD exomes 0.23029 and 0.23337; 1000 Genomes Project 30x 0.25723; 1000 Genomes Project 0.26675; ExAC 0.32353.
gnomAD v4.1: 60,741 of 278,396 alleles (22%); highest among the groups gnomAD compares: South Asian, 38%; 4,531 homozygotes.

Submissions (2):

Illumina Laboratory Services, Illumina
Classification: Benign for X-linked lymphoproliferative disease due to XIAP deficiency. Last evaluated: 2017-04-27. Review status: criteria provided, single submitter. Criteria: ICSL Variant Classification Criteria 13 December 2019. Collection method: clinical testing. Allele origin: germline.
Comment: This variant was observed as part of a predisposition screen in an ostensibly healthy population. A literature search was performed for the gene, cDNA change, and amino acid change (where applicable). No publications were found based on this search. Allele frequency data from public databases was too high to be consistent with this variant causing disease. Therefore, this variant is classified as benign.

Breakthrough Genomics
Classification: Benign. Review status: criteria provided, single submitter. Criteria: ACMG Guidelines, 2015. Collection method: not provided. Allele origin: germline. Inheritance: X-linked inheritance. Affected: yes.